The following is an entry in ClinVar:

ClinVar aggregate classification (germline): Likely pathogenic (1 of 4 stars; one submission).

Conditions:
Myopathy, proximal, and ophthalmoplegia (CMYO6). Also called: MYOPATHY WITH CONGENITAL JOINT CONTRACTURES, OPHTHALMOPLEGIA, AND RIMMED VACUOLES; INCLUSION BODY MYOPATHY 3, AUTOSOMAL DOMINANT; CONGENITAL MYOPATHY 6 WITH OPHTHALMOPLEGIA. Identifiers: Orphanet 363677, Orphanet 79091, MedGen C1854106, MONDO:0011577, OMIM 605637.

Submission:

Labcorp Genetics (formerly Invitae), Labcorp
Classification: Likely pathogenic for Myopathy, proximal, and ophthalmoplegia. Last evaluated: 2022-07-06. Review status: criteria provided, single submitter. Criteria: Invitae Variant Classification Sherloc (09022015). Collection method: clinical testing. Allele origin: germline.
Comment: This variant has not been reported in the literature in individuals affected with MYH2-related conditions. This variant is not present in population databases (gnomAD no frequency). This sequence change affects a donor splice site in intron 6 of the MYH2 gene. It is expected to disrupt RNA splicing. Variants that disrupt the donor or acceptor splice site typically lead to a loss of protein function (PMID: 16199547), and loss-of-function variants in MYH2 are known to be pathogenic (PMID: 20418530, 23388406, 24193343). ClinVar contains an entry for this variant (Variation ID: 1508359). Algorithms developed to predict the effect of sequence changes on RNA splicing suggest that this variant may disrupt the consensus splice site. In summary, the currently available evidence indicates that the variant is pathogenic, but additional data are needed to prove that conclusively. Therefore, this variant has been classified as Likely Pathogenic.

Literature cited by the submitters: PubMed 16199547; PubMed 20418530; PubMed 23388406; PubMed 24193343.

NM_017534.6(MYH2):c.533+2T>G

Genes: MYH2 (myosin heavy chain 2; minus strand), MYHAS (myosin heavy chain gene cluster antisense RNA; plus strand), LOC126862501 (CDK7 strongly-dependent group 2 enhancer GRCh37_chr17:10446256-10447455; plus strand). Cytogenetic location: 17p13.1.
Variant type: single nucleotide variant.
Coding change: c.533+2T>G on transcript NM_017534.6 (MANE Select); the canonical splice donor site of the intron after coding-DNA position 533, T replaced by G.
Molecular consequence: splice donor variant.
Genome position (GRCh38, 1-based): chr17:10,544,098, A>C on the plus strand (T>G on the coding strand, the complement: MYH2 is on the minus strand). VCF-style: chr17-10544098-A-C. GRCh37 (hg19) VCF-style: chr17-10447415-A-C.
Other names: c.533+2T>G (NM_001100112.2).
Identifiers: ClinVar variation 1508359 (VCV001508359.8), dbSNP rs2142319855, ClinGen allele CA398170239.
Genomic context (GRCh38, chr17:10,544,098, plus strand): 5'-AGATGTGGTCTCAAACCTAGCAGCTATCACAGCCATGTAAAGAAAGCATAAAATCTACTT[A>C]CGTGATCAGGATTGACTGATTCTCTCGGTCTACAAAAGAAATTATAGACATTTAATACTG-3'